The following is an entry in ClinVar:

NM_007294.4(BRCA1):c.5546A>T (p.Glu1849Val)

Gene: BRCA1 (BRCA1 DNA repair associated; minus strand). Cytogenetic location: 17q21.31.
Variant type: single nucleotide variant.
Coding change: c.5546A>T on transcript NM_007294.4 (MANE Select); coding-DNA position 5546, A replaced by T.
Protein change: p.Glu1849Val; replaces glutamic acid 1849 with valine.
Molecular consequence: missense variant. On other transcripts: 3 prime UTR variant (1), non-coding transcript variant (1).
Genome position (GRCh38, 1-based): chr17:43,045,724, T>A on the plus strand (A>T on the coding strand, the complement: BRCA1 is on the minus strand). VCF-style: chr17-43045724-T-A. GRCh37 (hg19) VCF-style: chr17-41197741-T-A.
Other names: c.1910A>T, p.Glu637Val (NM_001408506.1); c.1907A>T, p.Glu636Val (NM_001408507.1); c.5333A>T, p.Glu1778Val (NM_001407571.1, NM_001407894.1, NM_001407895.1 and 12 more transcripts); c.5612A>T, p.Glu1871Val (NM_001407581.1, NM_001407582.1); c.5609A>T, p.Glu1870Val (NM_001407583.1, NM_001407585.1, NM_001407587.1 and 1 more transcripts); c.5606A>T, p.Glu1869Val (NM_001407590.1, NM_001407591.1); c.5546A>T, p.Glu1849Val (NM_001407593.1, NM_001407594.1, NM_001407596.1 and 5 more transcripts); c.5543A>T, p.Glu1848Val (NM_001407610.1, NM_001407611.1, NM_001407612.1 and 14 more transcripts); and 74 more; short protein forms E1802V, E1870V, E745V, E1849V, E1552V, E1759V, E1780V, E1801V.
Identifiers: ClinVar variation 865001 (VCV000865001.3), dbSNP rs2050864495, ClinGen allele CA10590228.

Conditions:
Breast-ovarian cancer, familial, susceptibility to, 1 (BROVCA1). Also called: BRCA1 Hereditary Breast and Ovarian Cancer; OVARIAN CANCER, SUSCEPTIBILITY TO. Identifiers: Orphanet 145, MedGen C2676676, MONDO:0011450, OMIM 604370. Disease mechanism: loss of function.

Submission:

Brotman Baty Institute, University of Washington
No classification provided (evidence only). Condition: Breast-ovarian cancer, familial 1. Review status: no classification provided. Collection method: in vitro. Allele origin: not applicable. Functional consequence: function_uncertain_variant.
ClinVar note: "not provided" was previously submitted as the classification for the variant. However, the classification appeared to be based only on an observation of functional data so it was converted to no classification on 2025-07-30.